The following is an entry in ClinVar:

ClinVar aggregate classification (germline): Uncertain significance. Review status: criteria provided, multiple submitters, no conflicts (2 of 4 stars). 3 submissions from 3 submitters: Uncertain significance (3). Last evaluated 2025-10-23.

Conditions:
Hereditary cancer-predisposing syndrome. Also called: Hereditary Cancer Syndrome; Hereditary neoplastic syndrome; Neoplastic Syndromes, Hereditary; Tumor predisposition. Identifiers: Orphanet 140162, MedGen C0027672, MeSH D009386, MONDO:0015356.
Rhabdoid tumor predisposition syndrome 2 (RTPS2). Identifiers: Orphanet 231108, Orphanet 69077, MedGen C2750074, MONDO:0013224, OMIM 613325.

Allele frequency attached by ClinVar (database versions not stated): gnomAD exomes 0.00001 and 0.00002.
gnomAD v4.1: 31 of 1,550,956 alleles (0.002%); highest among the groups gnomAD compares: South Asian, 0.029%; no homozygotes.

Submissions (3):

Labcorp Genetics (formerly Invitae), Labcorp
Classification: Uncertain significance for Rhabdoid tumor predisposition syndrome 2. Last evaluated: 2025-10-23. Review status: criteria provided, single submitter. Criteria: Invitae Variant Classification Sherloc (09022015). Collection method: clinical testing. Allele origin: germline.
Comment: This sequence change replaces arginine, which is basic and polar, with tryptophan, which is neutral and slightly polar, at codon 1647 of the SMARCA4 protein (p.Arg1647Trp). This variant is present in population databases (no rsID available, gnomAD 0.009%). This variant has not been reported in the literature in individuals affected with SMARCA4-related conditions. ClinVar contains an entry for this variant (Variation ID: 408655). Invitae Evidence Modeling of protein sequence and biophysical properties (such as structural, functional, and spatial information, amino acid conservation, physicochemical variation, residue mobility, and thermodynamic stability) has been performed for this missense variant. However, the output from this modeling did not meet the statistical confidence thresholds required to predict the impact of this variant on SMARCA4 protein function. In summary, the available evidence is currently insufficient to determine the role of this variant in disease. Therefore, it has been classified as a Variant of Uncertain Significance.

Ambry Genetics
Classification: Uncertain significance for Hereditary cancer-predisposing syndrome. Last evaluated: 2025-06-18. Review status: criteria provided, single submitter. Criteria: Ambry Variant Classification Scheme 2023. Collection method: clinical testing. Allele origin: germline.
Comment: The p.R1647W variant (also known as c.4939C>T), located in coding exon 34 of the SMARCA4 gene, results from a C to T substitution at nucleotide position 4939. The arginine at codon 1647 is replaced by tryptophan, an amino acid with dissimilar properties. This variant has been detected in multiple individuals with no reported features of Coffin-Siris syndrome (Ambry internal data). This amino acid position is highly conserved in available vertebrate species. In addition, the in silico prediction for this alteration is inconclusive. Based on the supporting evidence, the association of this alteration with rhabdoid tumor predisposition syndrome is unknown; however, the association of this alteration with Coffin-Siris syndrome is unlikely.

Baylor Genetics
Classification: Uncertain significance for Rhabdoid tumor predisposition syndrome 2. Last evaluated: 2023-11-03. Review status: criteria provided, single submitter. Criteria: ACMG Guidelines, 2015. Collection method: clinical testing. Allele origin: unknown.

NM_003072.5(SMARCA4):c.4843C>T (p.Arg1615Trp)

Gene: SMARCA4 (SWI/SNF related BAF chromatin remodeling complex subunit ATPase 4; plus strand). Cytogenetic location: 19p13.2.
Variant type: single nucleotide variant.
Coding change: c.4843C>T on transcript NM_003072.5 (MANE Select); coding-DNA position 4843, C replaced by T.
Protein change: p.Arg1615Trp; replaces arginine 1615 with tryptophan.
Molecular consequence: missense variant. On other transcripts: non-coding transcript variant (1).
Genome position (GRCh38, 1-based): chr19:11,060,119, C>T. VCF-style: chr19-11060119-C-T. GRCh37 (hg19) VCF-style: chr19-11170795-C-T.
Other names: c.4939C>T, p.Arg1647Trp (NM_001128849.3, NM_001387283.1); c.4744C>T, p.Arg1582Trp (NM_001374457.1, NM_001128847.4); c.4843C>T, p.Arg1615Trp (NM_001128844.3); c.4753C>T, p.Arg1585Trp (NM_001128845.2); c.4750C>T, p.Arg1584Trp (NM_001128846.2); c.4741C>T, p.Arg1581Trp (NM_001128848.2); short protein forms R1647W, R1585W, R1584W, R1581W, R1615W, R1582W.
Identifiers: ClinVar variation 408655 (VCV000408655.17), dbSNP rs902428108, ClinGen allele CA16616196.